The following is an entry in ClinVar:

ClinVar aggregate classification (germline): Uncertain significance (1 of 4 stars; one submission).

Submission:

GeneDx
Classification: Uncertain significance. Last evaluated: 2025-05-27. Review status: criteria provided, single submitter. Criteria: GeneDx Variant Classification Process June 2021. Collection method: clinical testing. Allele origin: germline. Affected: yes.
Comment: Not observed at significant frequency in large population cohorts (gnomAD); In silico analysis supports that this missense variant has a deleterious effect on protein structure/function; Has not been previously published as pathogenic or benign to our knowledge

NM_014991.6(WDFY3):c.4469C>G (p.Ser1490Cys)

Gene: WDFY3 (WD repeat and FYVE domain containing 3; minus strand). Cytogenetic location: 4q21.23.
Variant type: single nucleotide variant.
Coding change: c.4469C>G on transcript NM_014991.6 (MANE Select); coding-DNA position 4469, C replaced by G.
Protein change: p.Ser1490Cys; replaces serine 1490 with cysteine.
Molecular consequence: missense variant.
Genome position (GRCh38, 1-based): chr4:84,778,552, G>C on the plus strand (C>G on the coding strand, the complement: WDFY3 is on the minus strand). VCF-style: chr4-84778552-G-C. GRCh37 (hg19) VCF-style: chr4-85699705-G-C.
Other names: short protein forms S1490C.
Identifiers: ClinVar variation 4532593 (VCV004532593.1).
Genomic context (GRCh38, chr4:84,778,552, plus strand): 5'-TATATACATACTTCAAAATCACAGAGGAGGTCCTGGAAAGCAGTTGAATTTGGAATAATG[G>C]AGGTCTCATGTCCACTATCAACAGTTCCCACCAAAGAAAAAGTTAGATGGAGGATGTGGC-3'
Protein context (NP_055806.2, residues 1480-1500): VGTVDSGHET[Ser1490Cys]IIPNSTAFQD